The following is an entry in ClinVar:

ClinVar aggregate classification (germline): Uncertain significance (1 of 4 stars; one submission).

gnomAD v4.1: 2 of 1,613,658 alleles (0.00012%); highest among the groups gnomAD compares: South Asian, 0.0022%; no homozygotes.

Submission:

Ambry Genetics
Classification: Uncertain significance. Last evaluated: 2024-12-07. Review status: criteria provided, single submitter. Criteria: Ambry Variant Classification Scheme 2023. Collection method: clinical testing. Allele origin: germline.
Comment: The p.E540K variant (also known as c.1618G>A), located in coding exon 16 of the KIF1B gene, results from a G to A substitution at nucleotide position 1618. The glutamic acid at codon 540 is replaced by lysine, an amino acid with similar properties. This amino acid position is conserved. In addition, this alteration is predicted to be deleterious by in silico analysis. Based on the available evidence, the clinical significance of this variant remains unclear.

NM_001365951.3(KIF1B):c.1756G>A (p.Glu586Lys)

Gene: KIF1B (kinesin family member 1B; plus strand). Cytogenetic location: 1p36.22.
Variant type: single nucleotide variant.
Coding change: c.1756G>A on transcript NM_001365951.3 (MANE Select); coding-DNA position 1756, G replaced by A.
Protein change: p.Glu586Lys; replaces glutamic acid 586 with lysine.
Molecular consequence: missense variant.
Genome position (GRCh38, 1-based): chr1:10,295,745, G>A. VCF-style: chr1-10295745-G-A. GRCh37 (hg19) VCF-style: chr1-10355803-G-A.
Other names: c.1756G>A, p.Glu586Lys (NM_001365952.1); c.1618G>A, p.Glu540Lys (NM_001365953.1, NM_015074.3, NM_183416.4); short protein forms E540K, E586K.
Identifiers: ClinVar variation 3534101 (VCV003534101.1).